The following is an entry in ClinVar:

ClinVar aggregate classification (germline): Conflicting classifications of pathogenicity. Review status: criteria provided, conflicting classifications (1 of 4 stars). 4 submissions from 4 submitters: Uncertain significance (2); Likely benign (2). Last evaluated 2026-08-01.

Conditions:
Severe intellectual disability-poor language-strabismus-grimacing face-long fingers syndrome (GAND). Also called: GAND SYNDROME. Identifiers: Orphanet 363686, MedGen C3554448, MONDO:0014034, OMIM 615074.

Allele frequency attached by ClinVar (database versions not stated): gnomAD 0.00001 and 0.00002; gnomAD exomes 0.00005 and 0.00009; TOPMed 0.00005; ExAC 0.00009.
gnomAD v4.1: 74 of 1,613,070 alleles (0.0046%); highest among the groups gnomAD compares: East Asian, 0.12%; no homozygotes.

Submissions (4):

CeGaT Center for Human Genetics Tuebingen
Classification: Likely benign. Last evaluated: 2026-08-01. Review status: criteria provided, single submitter. Criteria: CeGaT Center For Human Genetics Tuebingen Variant Classification Criteria Version 2. Collection method: clinical testing. Allele origin: germline. Affected: yes. Observed: 1 variant allele.
Comment: GATAD2B: BS1

Labcorp Genetics (formerly Invitae), Labcorp
Classification: Uncertain significance. Last evaluated: 2025-11-06. Review status: criteria provided, single submitter. Criteria: Invitae Variant Classification Sherloc (09022015). Collection method: clinical testing. Allele origin: germline.
Comment: This sequence change replaces alanine, which is neutral and non-polar, with glycine, which is neutral and non-polar, at codon 554 of the GATAD2B protein (p.Ala554Gly). This variant is present in population databases (rs749141299, gnomAD 0.05%), and has an allele count higher than expected for a pathogenic variant. This variant has not been reported in the literature in individuals affected with GATAD2B-related conditions. ClinVar contains an entry for this variant (Variation ID: 1254028). Invitae Evidence Modeling of protein sequence and biophysical properties (such as structural, functional, and spatial information, amino acid conservation, physicochemical variation, residue mobility, and thermodynamic stability) indicates that this missense variant is not expected to disrupt GATAD2B protein function with a negative predictive value of 80%. In summary, the available evidence is currently insufficient to determine the role of this variant in disease. Therefore, it has been classified as a Variant of Uncertain Significance.

New York Genome Center
Classification: Uncertain significance for Severe intellectual disability-poor language-strabismus-grimacing face-long fingers syndrome. Last evaluated: 2021-03-26. Review status: criteria provided, single submitter. Criteria: NYGC Assertion Criteria 2020. Collection method: clinical testing. Allele origin: germline. Observed: 1 heterozygote. Study: CSER-NYCKidSeq.

GeneDx
Classification: Likely benign. Last evaluated: 2021-02-17. Review status: criteria provided, single submitter. Criteria: GeneDx Variant Classification Process June 2021. Collection method: clinical testing. Allele origin: germline. Affected: yes.

NM_020699.4(GATAD2B):c.1661C>G (p.Ala554Gly)

Gene: GATAD2B (GATA zinc finger domain containing 2B; minus strand). Cytogenetic location: 1q21.3.
Variant type: single nucleotide variant.
Coding change: c.1661C>G on transcript NM_020699.4 (MANE Select); coding-DNA position 1661, C replaced by G.
Protein change: p.Ala554Gly; replaces alanine 554 with glycine.
Molecular consequence: missense variant.
Genome position (GRCh38, 1-based): chr1:153,810,298, G>C on the plus strand (C>G on the coding strand, the complement: GATAD2B is on the minus strand). VCF-style: chr1-153810298-G-C. GRCh37 (hg19) VCF-style: chr1-153782774-G-C.
Other names: short protein forms A554G.
Identifiers: ClinVar variation 1254028 (VCV001254028.15), dbSNP rs749141299, ClinGen allele CA1120586.